The following is an entry in ClinVar:

NM_024996.7(GFM1):c.1717del (p.Thr573fs)

Gene: GFM1 (G elongation factor mitochondrial 1; plus strand). Cytogenetic location: 3q25.32.
Variant type: Deletion.
Coding change: c.1717del on transcript NM_024996.7 (MANE Select); coding-DNA position 1717, one base deleted (A; older notation c.1717delA).
Protein change: p.Thr573fs; shifts the reading frame from threonine 573.
Molecular consequence: frameshift variant. On other transcripts: non-coding transcript variant (4).
Genome position (GRCh38, 1-based): chr3:158,682,110, A deleted; the last of 3 consecutive A bases (chr3:158,682,108-158,682,110); deleting any one gives the same sequence. VCF-style (leftmost placement, unchanged base first): chr3-158682107-GA-G. GRCh37 (hg19) VCF-style: chr3-158399896-GA-G.
Other names: c.1774del, p.Thr592fs (NM_001308164.2); c.1717del, p.Thr573fs (NM_001308166.2); c.1636del, p.Thr546fs (NM_001374355.1); c.1600del, p.Thr534fs (NM_001374356.1); c.1492del, p.Thr498fs (NM_001374357.1); c.1258del, p.Thr420fs (NM_001374358.1); c.1150del, p.Thr384fs (NM_001374359.1, NM_001374360.1); c.1033del, p.Thr345fs (NM_001374361.1); short protein forms T384fs, T534fs, T546fs, T420fs, T592fs, T345fs, T498fs, T573fs.
Identifiers: ClinVar variation 4754384 (VCV004754384.1).

ClinVar aggregate classification (germline): Pathogenic (1 of 4 stars; one submission).

Submission:

Labcorp Genetics (formerly Invitae), Labcorp
Classification: Pathogenic. Last evaluated: 2025-10-06. Review status: criteria provided, single submitter. Criteria: Invitae Variant Classification Sherloc (09022015). Collection method: clinical testing. Allele origin: germline.
Comment: This sequence change creates a premature translational stop signal (p.Thr573Hisfs*14) in the GFM1 gene. It is expected to result in an absent or disrupted protein product. Loss-of-function variants in GFM1 are known to be pathogenic (PMID: 16632485, 17160893). This variant is not present in population databases (gnomAD no frequency). This variant has not been reported in the literature in individuals affected with GFM1-related conditions. For these reasons, this variant has been classified as Pathogenic.

Literature cited by the submitters: PubMed 16632485; PubMed 17160893.